The following is an entry in ClinVar:

ClinVar aggregate classification (germline): Uncertain significance (1 of 4 stars; one submission).

Allele frequency attached by ClinVar (database versions not stated): gnomAD exomes below 0.00001.
gnomAD v4.1: 1 of 1,562,884 alleles (0.000064%); highest among the groups gnomAD compares: Admixed American, 0.0018%; no homozygotes.

Submission:

Labcorp Genetics (formerly Invitae), Labcorp
Classification: Uncertain significance. Last evaluated: 2022-09-19. Review status: criteria provided, single submitter. Criteria: Invitae Variant Classification Sherloc (09022015). Collection method: clinical testing. Allele origin: germline.
Comment: ClinVar contains an entry for this variant (Variation ID: 1371369). This variant has not been reported in the literature in individuals affected with HES7-related conditions. This variant is not present in population databases (gnomAD no frequency). This sequence change replaces proline, which is neutral and non-polar, with glutamine, which is neutral and polar, at codon 112 of the HES7 protein (p.Pro112Gln). Algorithms developed to predict the effect of missense changes on protein structure and function are either unavailable or do not agree on the potential impact of this missense change (SIFT: "Deleterious"; PolyPhen-2: "Benign"; Align-GVGD: "Class C0"). In summary, the available evidence is currently insufficient to determine the role of this variant in disease. Therefore, it has been classified as a Variant of Uncertain Significance.

NM_001165967.2(HES7):c.350C>A (p.Pro117Gln)

Gene: HES7 (hes family bHLH transcription factor 7; minus strand). Cytogenetic location: 17p13.1.
Variant type: single nucleotide variant.
Coding change: c.350C>A on transcript NM_001165967.2 (MANE Select); coding-DNA position 350, C replaced by A.
Protein change: p.Pro117Gln; replaces proline 117 with glutamine.
Molecular consequence: missense variant.
Genome position (GRCh38, 1-based): chr17:8,121,914, G>T on the plus strand (C>A on the coding strand, the complement: HES7 is on the minus strand). VCF-style: chr17-8121914-G-T. GRCh37 (hg19) VCF-style: chr17-8025232-G-T.
Other names: c.335C>A, p.Pro112Gln (NM_032580.4); short protein forms P117Q, P112Q.
Identifiers: ClinVar variation 1371369 (VCV001371369.6), dbSNP rs563910734, ClinGen allele CA397988526.
Genomic context (GRCh38, chr17:8,121,914, plus strand): 5'-CGGGGCGGTTTGGGGCGCAGATAGCCGTGCAGCGCGGAGAAGAGCTGGGCGCGGGCGGCC[G>T]GGCTGGCGTCGTGCGCGAAGGCCGCCAAGCGAAGCAGGCACTCGCGGAAACCGGACAAGT-3'
Protein context (NP_001159439.1, residues 107-127): RLAAFAHDAS[Pro117Gln]AARAQLFSAL